The following is an entry in ClinVar:

NM_001267550.2(TTN):c.107717T>C (p.Ile35906Thr)

Genes: TTN-AS1 (TTN antisense RNA 1; plus strand), TTN (titin; minus strand). Cytogenetic location: 2q31.2.
Variant type: single nucleotide variant.
Coding change: c.107717T>C on transcript NM_001267550.2 (MANE Select); coding-DNA position 107717, T replaced by C.
Protein change: p.Ile35906Thr; replaces isoleucine 35906 with threonine.
Molecular consequence: missense variant.
Genome position (GRCh38, 1-based): chr2:178,527,271, A>G on the plus strand (T>C on the coding strand, the complement: TTN is on the minus strand). VCF-style: chr2-178527271-A-G. GRCh37 (hg19) VCF-style: chr2-179391998-A-G.
Other names: c.102794T>C, p.Ile34265Thr (NM_001256850.1); c.80522T>C, p.Ile26841Thr (NM_003319.4); c.100013T>C, p.Ile33338Thr (NM_133378.4); c.80897T>C, p.Ile26966Thr (NM_133432.3); c.81098T>C, p.Ile27033Thr (NM_133437.4); short protein forms I34265T, I27033T, I33338T, I26841T, I26966T, I35906T.
Identifiers: ClinVar variation 944777 (VCV000944777.8), dbSNP rs1686809478, ClinGen allele CA349399532.
Genomic context (GRCh38, chr2:178,527,271, plus strand): 5'-GGGGTAGGCTCACCCGTGAAAGCACAGGCTACTGTTAGAACTTTGCCTTCATCAATGCTG[A>G]TATCAGATGGAAGAGCTTCAATTTTAGGCGGAATTCCTTTATGGAACAATGACAAAAAAA-3'
Protein context (NP_001254479.2, residues 35896-35916): PPKIEALPSD[Ile35906Thr]SIDEGKVLTV

ClinVar aggregate classification (germline): Uncertain significance (1 of 4 stars; one submission).

Conditions:
Dilated cardiomyopathy 1G (CMD1G). Identifiers: Orphanet 154, MedGen C1858763, MONDO:0011400, OMIM 604145.
Autosomal recessive limb-girdle muscular dystrophy type 2J (LGMDR10). Also called: MUSCULAR DYSTROPHY, LIMB-GIRDLE, AUTOSOMAL RECESSIVE 10; Limb-girdle muscular dystrophy, type 2J. Identifiers: Orphanet 140922, MedGen C1837342, MONDO:0012127, OMIM 608807.

Allele frequency attached by ClinVar (database versions not stated): TOPMed below 0.00001.

Submission:

Labcorp Genetics (formerly Invitae), Labcorp
Classification: Uncertain significance for Dilated cardiomyopathy 1G; Autosomal recessive limb-girdle muscular dystrophy type 2J. Last evaluated: 2019-08-14. Review status: criteria provided, single submitter. Criteria: Invitae Variant Classification Sherloc (09022015). Collection method: clinical testing. Allele origin: germline.
Comment: Algorithms developed to predict the effect of missense changes on protein structure and function are unavailable for the TTN gene. This variant is located in the M band of TTN (PMID: 25589632). Variants in this region may be relevant for neuromuscular disorders, but have not been definitively shown to cause cardiomyopathy (PMID: 23975875). In summary, the available evidence is currently insufficient to determine the role of this variant in disease. Therefore, it has been classified as a Variant of Uncertain Significance. This variant has not been reported in the literature in individuals with TTN-related conditions. This variant is not present in population databases (ExAC no frequency). This sequence change replaces isoleucine with threonine at codon 35906 of the TTN protein (p.Ile35906Thr). There is a moderate physicochemical difference between isoleucine and threonine.

Literature cited by the submitters: PubMed 25589632; PubMed 23975875.